The following is an entry in ClinVar:

NM_000383.4(AIRE):c.1100C>T (p.Pro367Leu)

Gene: AIRE (autoimmune regulator; plus strand). Cytogenetic location: 21q22.3.
Variant type: single nucleotide variant.
Coding change: c.1100C>T on transcript NM_000383.4 (MANE Select); coding-DNA position 1100, C replaced by T.
Protein change: p.Pro367Leu; replaces proline 367 with leucine.
Molecular consequence: missense variant.
Genome position (GRCh38, 1-based): chr21:44,292,997, C>T. VCF-style: chr21-44292997-C-T. GRCh37 (hg19) VCF-style: chr21-45712880-C-T.
Other names: short protein forms P367L.
Identifiers: ClinVar variation 1953919 (VCV001953919.4), dbSNP rs748918175, ClinGen allele CA10051947.

ClinVar aggregate classification (germline): Uncertain significance (1 of 4 stars; one submission).

Conditions:
Polyglandular autoimmune syndrome, type 1 (APS1). Also called: Autoimmune polyendocrinopathy syndrome, type I; AUTOIMMUNE POLYENDOCRINE SYNDROME, TYPE I, WITH OR WITHOUT REVERSIBLE METAPHYSEAL DYSPLASIA; APS I; PGA I; Autoimmune polyendocrinopathy syndrome , type I, with or without reversible metaphyseal dysplasia; HYPOADRENOCORTICISM WITH HYPOPARATHYROIDISM AND SUPERFICIAL MONILIASIS. Identifiers: Orphanet 3453, MedGen C0085859, MONDO:0009411, OMIM 240300.

Allele frequency attached by ClinVar (database versions not stated): gnomAD exomes below 0.00001; ExAC 0.00001.

Submission:

Labcorp Genetics (formerly Invitae), Labcorp
Classification: Uncertain significance for Polyglandular autoimmune syndrome, type 1. Last evaluated: 2024-11-18. Review status: criteria provided, single submitter. Criteria: Invitae Variant Classification Sherloc (09022015). Collection method: clinical testing. Allele origin: germline.
Comment: This sequence change replaces proline, which is neutral and non-polar, with leucine, which is neutral and non-polar, at codon 367 of the AIRE protein (p.Pro367Leu). This variant is present in population databases (rs748918175, gnomAD 0.006%). This variant has not been reported in the literature in individuals affected with AIRE-related conditions. ClinVar contains an entry for this variant (Variation ID: 1953919). Invitae Evidence Modeling of protein sequence and biophysical properties (such as structural, functional, and spatial information, amino acid conservation, physicochemical variation, residue mobility, and thermodynamic stability) indicates that this missense variant is not expected to disrupt AIRE protein function with a negative predictive value of 95%. In summary, the available evidence is currently insufficient to determine the role of this variant in disease. Therefore, it has been classified as a Variant of Uncertain Significance.